The following is an entry in ClinVar:

ClinVar aggregate classification (germline): Conflicting classifications of pathogenicity. Review status: criteria provided, conflicting classifications (1 of 4 stars). 3 submissions from 3 submitters: Uncertain significance (1); Benign (1). 1 of the submissions does not count toward it. Last evaluated 2026-09-08.

Conditions:
GDF6-related disorder. Also called: GDF6-related condition.
Microphthalmia, isolated, with coloboma 6 (MCOPCB6). Also called: MICROPHTHALMIA/COLOBOMA 6; Microphthalmia with coloboma 6, digenic; Microphthalmia with coloboma 6. Identifiers: Orphanet 98938, MedGen C3150968, MONDO:0013376, OMIM 613703.
Isolated microphthalmia 4. Identifiers: Orphanet 2542, MedGen C2751307, MONDO:0013130, OMIM 613094.
Klippel-Feil syndrome 1, autosomal dominant (KFS1). Also called: CERVICAL VERTEBRAL FUSION, AUTOSOMAL DOMINANT. Identifiers: Orphanet 2345, MedGen C1861689, MONDO:0007306, OMIM 118100.
Leber congenital amaurosis 17 (LCA17). Identifiers: Orphanet 65, MedGen C3715164, MONDO:0014145, OMIM 615360.
Retinal dystrophy. Also called: Inherited retinal dystrophy. Identifiers: Orphanet 71862, MedGen C0854723, MeSH D058499, MONDO:0019118, HP:0000556.

Allele frequency attached by ClinVar (database versions not stated): gnomAD exomes 0.00008; 1000 Genomes Project 30x 0.00031; gnomAD 0.00001 and 0.00003; TOPMed 0.00003.
gnomAD v4.1: 14 of 1,515,740 alleles (0.00092%); highest among the groups gnomAD compares: Admixed American, 0.016%; no homozygotes.

Submissions (3):

PreventionGenetics, part of Exact Sciences
Classification: Uncertain significance for GDF6-related condition. Last evaluated: 2026-09-08. Review status: criteria provided, single submitter. Criteria: ACMG Guidelines, 2015. Collection method: clinical testing. Allele origin: germline.
Comment: The GDF6 c.701G>T variant is predicted to result in the amino acid substitution p.Arg234Leu. To our knowledge, this variant has not been reported in the literature. This variant is reported in 0.031% of alleles in individuals of East Asian descent in gnomAD. At this time, the clinical significance of this variant is uncertain due to the absence of conclusive functional and genetic evidence.

Labcorp Genetics (formerly Invitae), Labcorp
Classification: Benign for Isolated microphthalmia 4; Leber congenital amaurosis 17; Klippel-Feil syndrome 1, autosomal dominant; Microphthalmia, isolated, with coloboma 6. Last evaluated: 2025-04-18. Review status: criteria provided, single submitter. Criteria: Invitae Variant Classification Sherloc (09022015). Collection method: clinical testing. Allele origin: germline.

Institute of Human Genetics, Univ. Regensburg, Univ. Regensburg
Classification: Uncertain significance for Retinal dystrophy. Last evaluated: 2023-01-01. Review status: no assertion criteria provided. Criteria: ACMG Guidelines, 2015. Collection method: clinical testing. Allele origin: germline. Affected: yes. Not counted in ClinVar's aggregate classification.

NM_001001557.4(GDF6):c.701G>T (p.Arg234Leu)

Gene: GDF6 (growth differentiation factor 6; minus strand). Cytogenetic location: 8q22.1.
Variant type: single nucleotide variant.
Coding change: c.701G>T on transcript NM_001001557.4 (MANE Select); coding-DNA position 701, G replaced by T.
Protein change: p.Arg234Leu; replaces arginine 234 with leucine.
Molecular consequence: missense variant.
Genome position (GRCh38, 1-based): chr8:96,145,230, C>A on the plus strand (G>T on the coding strand, the complement: GDF6 is on the minus strand). VCF-style: chr8-96145230-C-A. GRCh37 (hg19) VCF-style: chr8-97157458-C-A.
Other names: c.701G>T (NM_001001557.3); short protein forms R234L.
Identifiers: ClinVar variation 1378435 (VCV001378435.10), dbSNP rs748092776, ClinGen allele CA4815424.